The following is an entry in ClinVar:

NM_014423.4(AFF4):c.1273A>C (p.Arg425=)

Gene: AFF4 (ALF transcription elongation factor 4; minus strand). Cytogenetic location: 5q31.1.
Variant type: single nucleotide variant.
Coding change: c.1273A>C on transcript NM_014423.4 (MANE Select); coding-DNA position 1273, A replaced by C.
Protein change: p.Arg425=; no amino-acid change (arginine 425 retained).
Molecular consequence: synonymous variant.
Genome position (GRCh38, 1-based): chr5:132,898,346, T>G on the plus strand (A>C on the coding strand, the complement: AFF4 is on the minus strand). VCF-style: chr5-132898346-T-G. GRCh37 (hg19) VCF-style: chr5-132234038-T-G.
Identifiers: ClinVar variation 3354102 (VCV003354102.1).

ClinVar aggregate classification (germline): Likely benign (0 of 4 stars; one submission).

Conditions:
AFF4-related disorder. Also called: AFF4-related condition.

gnomAD v4.1: 19 of 1,614,122 alleles (0.0012%); highest among the groups gnomAD compares: Non-Finnish European, 0.0015%; no homozygotes.

Submission:

PreventionGenetics, part of Exact Sciences
Classification: Likely benign for AFF4-related condition. Last evaluated: 2022-07-20. Review status: no assertion criteria provided. Collection method: clinical testing. Allele origin: germline.
Comment: This variant is classified as likely benign based on ACMG/AMP sequence variant interpretation guidelines (Richards et al. 2015 PMID: 25741868, with internal and published modifications).